The following is an entry in ClinVar:

ClinVar aggregate classification (germline): Pathogenic (1 of 4 stars; one submission).

Conditions:
Mucolipidosis type II. Also called: Mucolipidosis 2; ML 2; Inclusion cell disease; Leroy Disease; N-acetylglucosamine 1phosphotransferase deficiency; ML disorder type 2. Identifiers: Orphanet 576, MedGen C2673377, MONDO:0009650, OMIM 252500.
Pseudo-Hurler polydystrophy. Also called: ML IIIA; Mucolipidosis III Alpha/Beta; MUCOLIPIDOSIS IIIA; ML III; ML III ALPHA/BETA; Type III Mucolipidosis. Identifiers: Orphanet 423461, Orphanet 577, MedGen C0033788, MONDO:0018931, OMIM 252600.

Submission:

Labcorp Genetics (formerly Invitae), Labcorp
Classification: Pathogenic for Pseudo-Hurler polydystrophy; Mucolipidosis type II. Last evaluated: 2022-11-15. Review status: criteria provided, single submitter. Criteria: Invitae Variant Classification Sherloc (09022015). Collection method: clinical testing. Allele origin: germline.
Comment: This sequence change creates a premature translational stop signal (p.Val770Phefs*10) in the GNPTAB gene. It is expected to result in an absent or disrupted protein product. Loss-of-function variants in GNPTAB are known to be pathogenic (PMID: 19617216, 25107912). This variant is not present in population databases (gnomAD no frequency). This variant has not been reported in the literature in individuals affected with GNPTAB-related conditions. ClinVar contains an entry for this variant (Variation ID: 948216). For these reasons, this variant has been classified as Pathogenic.

Literature cited by the submitters: PubMed 19617216; PubMed 25107912.

NM_024312.5(GNPTAB):c.2308del (p.Val770fs)

Gene: GNPTAB (N-acetylglucosamine-1-phosphate transferase subunits alpha and beta; minus strand). Cytogenetic location: 12q23.2.
Variant type: Deletion.
Coding change: c.2308del on transcript NM_024312.5 (MANE Select); coding-DNA position 2308, one base deleted (G; older notation c.2308delG).
Protein change: p.Val770fs; shifts the reading frame from valine 770.
Molecular consequence: frameshift variant.
Genome position (GRCh38, 1-based): chr12:101,764,609, C deleted on the plus strand (G on the coding strand, the reverse complement: GNPTAB is on the minus strand); the first of 2 consecutive C bases (chr12:101,764,609-101,764,610); deleting either gives the same sequence. VCF-style (leftmost placement, unchanged base first): chr12-101764608-AC-A. GRCh37 (hg19) VCF-style: chr12-102158386-AC-A.
Other names: short protein forms V770fs.
Identifiers: ClinVar variation 948216 (VCV000948216.7), dbSNP rs1953057183, ClinGen allele CA1139662829.